The following is an entry in ClinVar:

ClinVar aggregate classification (germline): Likely benign (0 of 4 stars; one submission).

Conditions:
CYP2B6-related disorder. Also called: CYP2B6-related condition.

Allele frequency attached by ClinVar (database versions not stated): ExAC 0.00089.

Submission:

PreventionGenetics, part of Exact Sciences
Classification: Likely benign for CYP2B6-related condition. Last evaluated: 2019-11-18. Review status: no assertion criteria provided. Collection method: clinical testing. Allele origin: germline.
Comment: This variant is classified as likely benign based on ACMG/AMP sequence variant interpretation guidelines (Richards et al. 2015 PMID: 25741868, with internal and published modifications).

NM_000767.5(CYP2B6):c.714G>A (p.Leu238=)

Gene: CYP2B6 (cytochrome P450 family 2 subfamily B member 6; plus strand). Cytogenetic location: 19q13.2.
Variant type: single nucleotide variant.
Coding change: c.714G>A on transcript NM_000767.5 (MANE Select); coding-DNA position 714, G replaced by A.
Protein change: p.Leu238=; no amino-acid change (leucine 238 retained).
Molecular consequence: synonymous variant.
Genome position (GRCh38, 1-based): chr19:41,009,287, G>A. VCF-style: chr19-41009287-G-A. GRCh37 (hg19) VCF-style: chr19-41515192-G-A.
Identifiers: ClinVar variation 3038056 (VCV003038056.2), dbSNP rs376359134, ClinGen allele CA9455319.